The following is an entry in ClinVar:

NM_001267550.2(TTN):c.104699A>T (p.Glu34900Val)

Genes: TTN (titin; minus strand), TTN-AS1 (TTN antisense RNA 1; plus strand). Cytogenetic location: 2q31.2.
Variant type: single nucleotide variant.
Coding change: c.104699A>T on transcript NM_001267550.2 (MANE Select); coding-DNA position 104699, A replaced by T.
Protein change: p.Glu34900Val; replaces glutamic acid 34900 with valine.
Molecular consequence: missense variant.
Genome position (GRCh38, 1-based): chr2:178,531,916, T>A on the plus strand (A>T on the coding strand, the complement: TTN is on the minus strand). VCF-style: chr2-178531916-T-A. GRCh37 (hg19) VCF-style: chr2-179396643-T-A.
Other names: c.99776A>T, p.Glu33259Val (NM_001256850.1); c.77504A>T, p.Glu25835Val (NM_003319.4); c.96995A>T, p.Glu32332Val (NM_133378.4); c.77879A>T, p.Glu25960Val (NM_133432.3); c.78080A>T, p.Glu26027Val (NM_133437.4); short protein forms E26027V, E32332V, E25835V, E25960V, E33259V, E34900V.
Identifiers: ClinVar variation 2155757 (VCV002155757.1), dbSNP rs1689283018, ClinGen allele CA349411120.

ClinVar aggregate classification (germline): Uncertain significance (1 of 4 stars; one submission).

Conditions:
Autosomal recessive limb-girdle muscular dystrophy type 2J (LGMDR10). Also called: MUSCULAR DYSTROPHY, LIMB-GIRDLE, AUTOSOMAL RECESSIVE 10; Limb-girdle muscular dystrophy, type 2J. Identifiers: Orphanet 140922, MedGen C1837342, MONDO:0012127, OMIM 608807.
Dilated cardiomyopathy 1G (CMD1G). Identifiers: Orphanet 154, MedGen C1858763, MONDO:0011400, OMIM 604145.

Submission:

Labcorp Genetics (formerly Invitae), Labcorp
Classification: Uncertain significance for Dilated cardiomyopathy 1G; Autosomal recessive limb-girdle muscular dystrophy type 2J. Last evaluated: 2022-08-06. Review status: criteria provided, single submitter. Criteria: Invitae Variant Classification Sherloc (09022015). Collection method: clinical testing. Allele origin: germline.
Comment: This sequence change replaces glutamic acid, which is acidic and polar, with valine, which is neutral and non-polar, at codon 34900 of the TTN protein (p.Glu34900Val). This variant is not present in population databases (gnomAD no frequency). This variant has not been reported in the literature in individuals affected with TTN-related conditions. Experimental studies and prediction algorithms are not available or were not evaluated, and the functional significance of this variant is currently unknown. Algorithms developed to predict the effect of sequence changes on RNA splicing suggest that this variant may create or strengthen a splice site. This variant is located in the M band of TTN (PMID: 25589632). Variants in this region may be relevant for neuromuscular disorders, but have not been definitively shown to cause cardiomyopathy (PMID: 23975875). In summary, the available evidence is currently insufficient to determine the role of this variant in disease. Therefore, it has been classified as a Variant of Uncertain Significance.

Literature cited by the submitters: PubMed 25589632; PubMed 23975875.